The following is an entry in ClinVar:

ClinVar aggregate classification (germline): Conflicting classifications of pathogenicity. Review status: criteria provided, conflicting classifications (1 of 4 stars). 2 submissions from 2 submitters: Uncertain significance (1); Likely benign (1). Last evaluated 2025-05-18.

Allele frequency attached by ClinVar (database versions not stated): gnomAD exomes 0.00002 and 0.00004; ExAC 0.00003; gnomAD 0.00005 and 0.00006; TOPMed 0.00005; ESP Exome Variant Server 0.00009.
gnomAD v4.1: 28 of 1,208,485 alleles (0.0023%); highest among the groups gnomAD compares: African/African-American, 0.0088%; no homozygotes.

Submissions (2):

Labcorp Genetics (formerly Invitae), Labcorp
Classification: Likely benign. Last evaluated: 2025-05-18. Review status: criteria provided, single submitter. Criteria: Invitae Variant Classification Sherloc (09022015). Collection method: clinical testing. Allele origin: germline.

Ambry Genetics
Classification: Uncertain significance. Last evaluated: 2017-04-19. Review status: criteria provided, single submitter. Criteria: Ambry Variant Classification Scheme 2023. Collection method: clinical testing. Allele origin: germline.
Comment: The p.R1469Q variant (also known as c.4406G>A), located in coding exon 2 of the KIAA2022 gene, results from a G to A substitution at nucleotide position 4406. The arginine at codon 1469 is replaced by glutamine, an amino acid with highly similar properties. This amino acid position is highly conserved in available vertebrate species. In addition, the in silico prediction for this alteration is inconclusive. Since supporting evidence is limited at this time, the clinical significance of this alteration remains unclear.

NM_001008537.3(NEXMIF):c.4406G>A (p.Arg1469Gln)

Gene: NEXMIF (neurite extension and migration factor; minus strand). Cytogenetic location: Xq13.3.
Variant type: single nucleotide variant.
Coding change: c.4406G>A on transcript NM_001008537.3 (MANE Select); coding-DNA position 4406, G replaced by A.
Protein change: p.Arg1469Gln; replaces arginine 1469 with glutamine.
Molecular consequence: missense variant.
Genome position (GRCh38, 1-based): chrX:74,740,151, C>T on the plus strand (G>A on the coding strand, the complement: NEXMIF is on the minus strand). VCF-style: chrX-74740151-C-T. GRCh37 (hg19) VCF-style: chrX-73959986-C-T.
Other names: short protein forms R1469Q.
Identifiers: ClinVar variation 588912 (VCV000588912.14), dbSNP rs151004644, ClinGen allele CA10454832.